The following is an entry in ClinVar:

ClinVar aggregate classification (germline): Uncertain significance (1 of 4 stars; one submission).

Allele frequency attached by ClinVar (database versions not stated): ExAC 0.00005; gnomAD exomes 0.00005; 1000 Genomes Project 30x 0.00016; ESP Exome Variant Server 0.00016; 1000 Genomes Project 0.00020; gnomAD 0.00050 and 0.00058; TOPMed 0.00063.

Submission:

Labcorp Genetics (formerly Invitae), Labcorp
Classification: Uncertain significance. Last evaluated: 2025-12-26. Review status: criteria provided, single submitter. Criteria: Invitae Variant Classification Sherloc (09022015). Collection method: clinical testing. Allele origin: germline.
Comment: This sequence change replaces tryptophan, which is neutral and slightly polar, with arginine, which is basic and polar, at codon 10 of the TMED7 protein (p.Trp10Arg). This variant is present in population databases (rs377297559, gnomAD 0.2%), and has an allele count higher than expected for a pathogenic variant. This variant has not been reported in the literature in individuals affected with TMED7-related conditions. ClinVar contains an entry for this variant (Variation ID: 1420456). An algorithm developed to predict the effect of missense changes on protein structure and function (PolyPhen-2) suggests that this variant is likely to be tolerated. In summary, the available evidence is currently insufficient to determine the role of this variant in disease. Therefore, it has been classified as a Variant of Uncertain Significance.

NM_181836.6(TMED7):c.28T>C (p.Trp10Arg)

Genes: TMED7 (transmembrane p24 trafficking protein 7; minus strand), TMED7-TICAM2 (TMED7-TICAM2 readthrough; minus strand). Cytogenetic location: 5q22.3.
Variant type: single nucleotide variant.
Coding change: c.28T>C on transcript NM_181836.6 (MANE Select); coding-DNA position 28, T replaced by C.
Protein change: p.Trp10Arg; replaces tryptophan 10 with arginine.
Molecular consequence: missense variant.
Genome position (GRCh38, 1-based): chr5:115,625,765, A>G on the plus strand (T>C on the coding strand, the complement: TMED7 is on the minus strand). VCF-style: chr5-115625765-A-G. GRCh37 (hg19) VCF-style: chr5-114961462-A-G.
Other names: c.28T>C, p.Trp10Arg (NM_001164468.4, NM_001164469.4); short protein forms W10R.
Identifiers: ClinVar variation 1420456 (VCV001420456.6), dbSNP rs377297559, ClinGen allele CA3375258.